The following is an entry in ClinVar:

ClinVar aggregate classification (germline): Uncertain significance (1 of 4 stars; one submission).

Conditions:
Hereditary spastic paraplegia 62. Also called: Spastic paraplegia 62, autosomal recessive. Identifiers: Orphanet 401785, MedGen C4284588, MONDO:0014302, OMIM 615681.

gnomAD v4.1: 16 of 1,578,116 alleles (0.001%); highest among the groups gnomAD compares: African/African-American, 0.0081%; no homozygotes.

Submission:

Labcorp Genetics (formerly Invitae), Labcorp
Classification: Uncertain significance for Hereditary spastic paraplegia 62. Last evaluated: 2022-03-08. Review status: criteria provided, single submitter. Criteria: Invitae Variant Classification Sherloc (09022015). Collection method: clinical testing. Allele origin: germline.
Comment: The frequency data for this variant in the population databases is considered unreliable, as metrics indicate poor data quality at this position in the gnomAD database. This sequence change replaces arginine, which is basic and polar, with glutamine, which is neutral and polar, at codon 90 of the ERLIN1 protein (p.Arg90Gln). This variant has not been reported in the literature in individuals affected with ERLIN1-related conditions. Algorithms developed to predict the effect of missense changes on protein structure and function are either unavailable or do not agree on the potential impact of this missense change (SIFT: "Deleterious"; PolyPhen-2: "Probably Damaging"; Align-GVGD: "Class C0"). In summary, the available evidence is currently insufficient to determine the role of this variant in disease. Therefore, it has been classified as a Variant of Uncertain Significance.

NM_006459.4(ERLIN1):c.269G>A (p.Arg90Gln)

Gene: ERLIN1 (ER lipid raft associated 1; minus strand). Cytogenetic location: 10q24.31.
Variant type: single nucleotide variant.
Coding change: c.269G>A on transcript NM_006459.4 (MANE Select); coding-DNA position 269, G replaced by A.
Protein change: p.Arg90Gln; replaces arginine 90 with glutamine.
Molecular consequence: missense variant. On other transcripts: non-coding transcript variant (5), intron variant (1).
Genome position (GRCh38, 1-based): chr10:100,178,168, C>T on the plus strand (G>A on the coding strand, the complement: ERLIN1 is on the minus strand). VCF-style: chr10-100178168-C-T. GRCh37 (hg19) VCF-style: chr10-101937925-C-T.
Other names: c.269G>A, p.Arg90Gln (NM_001100626.2, NM_001347857.2, NM_001347859.2 and 2 more transcripts); c.17G>A, p.Arg6Gln (NM_001347856.2); c.-176-2098G>A (NM_001347858.2); short protein forms R90Q, R6Q.
Identifiers: ClinVar variation 2071736 (VCV002071736.4), dbSNP rs779963349, ClinGen allele CA5646116.